The following is an entry in ClinVar:

ClinVar aggregate classification (germline): Uncertain significance. Review status: criteria provided, multiple submitters, no conflicts (2 of 4 stars). 2 submissions from 2 submitters: Uncertain significance (2). Last evaluated 2025-03-17.

Allele frequency attached by ClinVar (database versions not stated): ExAC 0.00008; TOPMed 0.00009; gnomAD 0.00010; gnomAD exomes 0.00019; ESP Exome Variant Server 0.00024.
gnomAD v4.1: 295 of 1,613,884 alleles (0.018%); highest among the groups gnomAD compares: Non-Finnish European, 0.023%; no homozygotes.

Submissions (2):

Labcorp Genetics (formerly Invitae), Labcorp
Classification: Uncertain significance. Last evaluated: 2025-03-17. Review status: criteria provided, single submitter. Criteria: Invitae Variant Classification Sherloc (09022015). Collection method: clinical testing. Allele origin: germline.
Comment: This sequence change replaces alanine, which is neutral and non-polar, with threonine, which is neutral and polar, at codon 429 of the POC5 protein (p.Ala429Thr). This variant is present in population databases (rs201218048, gnomAD 0.02%). This variant has not been reported in the literature in individuals affected with POC5-related conditions. ClinVar contains an entry for this variant (Variation ID: 2173036). An algorithm developed to predict the effect of missense changes on protein structure and function outputs the following: PolyPhen-2: "Probably Damaging". The threonine amino acid residue is found in multiple mammalian species, which suggests that this missense change does not adversely affect protein function. In summary, the available evidence is currently insufficient to determine the role of this variant in disease. Therefore, it has been classified as a Variant of Uncertain Significance.

Ambry Genetics
Classification: Uncertain significance. Last evaluated: 2023-09-13. Review status: criteria provided, single submitter. Criteria: Ambry Variant Classification Scheme 2023. Collection method: clinical testing. Allele origin: germline.

NM_001099271.2(POC5):c.1285G>A (p.Ala429Thr)

Gene: POC5 (POC5 centriolar protein; minus strand). Cytogenetic location: 5q13.3.
Variant type: single nucleotide variant.
Coding change: c.1285G>A on transcript NM_001099271.2 (MANE Select); coding-DNA position 1285, G replaced by A.
Protein change: p.Ala429Thr; replaces alanine 429 with threonine.
Molecular consequence: missense variant.
Genome position (GRCh38, 1-based): chr5:75,685,329, C>T on the plus strand (G>A on the coding strand, the complement: POC5 is on the minus strand). VCF-style: chr5-75685329-C-T. GRCh37 (hg19) VCF-style: chr5-74981154-C-T.
Other names: c.1285G>A (NM_001099271.1); c.1210G>A, p.Ala404Thr (NM_152408.3); short protein forms A404T, A429T.
Identifiers: ClinVar variation 2173036 (VCV002173036.6), dbSNP rs201218048, ClinGen allele CA3310355.
Genomic context (GRCh38, chr5:75,685,329, plus strand): 5'-CAGAAGATGCGGAAGCAGCCCTGGTAGAAGTCATCGAAGCAGCTGAGGGAACGGCAGTCG[C>T]GCTGGCTCCTCCGACGGCGGCTGGTGGGGATGGCAGCAGTGGTGATGTAACTGGTAAGGG-3'
Protein context (NP_001092741.1, residues 419-439): SPPAAVGGAS[Ala429Thr]TAVPSAASMT